The following is an entry in ClinVar:

NM_006231.4(POLE):c.2389A>G (p.Met797Val)

Gene: POLE (DNA polymerase epsilon, catalytic subunit; minus strand). Cytogenetic location: 12q24.33.
Variant type: single nucleotide variant.
Coding change: c.2389A>G on transcript NM_006231.4 (MANE Select); coding-DNA position 2389, A replaced by G.
Protein change: p.Met797Val; replaces methionine 797 with valine.
Molecular consequence: missense variant.
Genome position (GRCh38, 1-based): chr12:132,665,381, T>C on the plus strand (A>G on the coding strand, the complement: POLE is on the minus strand). VCF-style: chr12-132665381-T-C. GRCh37 (hg19) VCF-style: chr12-133241967-T-C.
Other names: c.2389A>G (NM_006231.2); short protein forms M797V.
Identifiers: ClinVar variation 642267 (VCV000642267.9), dbSNP rs142196181, ClinGen allele CA246319314.

ClinVar aggregate classification (germline): Uncertain significance. Review status: criteria provided, multiple submitters, no conflicts (2 of 4 stars). 2 submissions from 2 submitters: Uncertain significance (2). Last evaluated 2026-01-12.

Conditions:
Hereditary cancer-predisposing syndrome. Also called: Neoplastic Syndromes, Hereditary; Tumor predisposition; Hereditary neoplastic syndrome; Hereditary Cancer Syndrome. Identifiers: Orphanet 140162, MedGen C0027672, MeSH D009386, MONDO:0015356.

Allele frequency attached by ClinVar (database versions not stated): ESP Exome Variant Server 0.00008.
gnomAD v4.1: 17 of 1,613,954 alleles (0.0011%); highest among the groups gnomAD compares: Admixed American, 0.0017%; no homozygotes.

Submissions (2):

Labcorp Genetics (formerly Invitae), Labcorp
Classification: Uncertain significance. Last evaluated: 2026-01-12. Review status: criteria provided, single submitter. Criteria: Invitae Variant Classification Sherloc (09022015). Collection method: clinical testing. Allele origin: germline.
Comment: This sequence change replaces methionine, which is neutral and non-polar, with valine, which is neutral and non-polar, at codon 797 of the POLE protein (p.Met797Val). This variant is present in population databases (rs142196181, gnomAD 0.003%). This variant has not been reported in the literature in individuals affected with POLE-related conditions. ClinVar contains an entry for this variant (Variation ID: 642267). Invitae Evidence Modeling of protein sequence and biophysical properties (such as structural, functional, and spatial information, amino acid conservation, physicochemical variation, residue mobility, and thermodynamic stability) indicates that this missense variant is not expected to disrupt POLE protein function with a negative predictive value of 80%. In summary, the available evidence is currently insufficient to determine the role of this variant in disease. Therefore, it has been classified as a Variant of Uncertain Significance.

Ambry Genetics
Classification: Uncertain significance for Hereditary cancer-predisposing syndrome. Last evaluated: 2024-12-29. Review status: criteria provided, single submitter. Criteria: Ambry Variant Classification Scheme 2023. Collection method: clinical testing. Allele origin: germline.
Comment: The p.M797V variant (also known as c.2389A>G), located in coding exon 21 of the POLE gene, results from an A to G substitution at nucleotide position 2389. The methionine at codon 797 is replaced by valine, an amino acid with highly similar properties. This amino acid position is highly conserved in available vertebrate species. In addition, the in silico prediction for this alteration is inconclusive. Based on the available evidence, the clinical significance of this variant remains unclear.